The following is an entry in ClinVar:

NM_002458.3(MUC5B):c.6656C>T (p.Ser2219Leu)

Genes: MUC5B (mucin 5B, oligomeric mucus/gel-forming; plus strand), MUC5B-AS1 (MUC5B antisense RNA 1; minus strand). Cytogenetic location: 11p15.5.
Variant type: single nucleotide variant.
Coding change: c.6656C>T on transcript NM_002458.3 (MANE Select); coding-DNA position 6656, C replaced by T.
Protein change: p.Ser2219Leu; replaces serine 2219 with leucine.
Molecular consequence: missense variant.
Genome position (GRCh38, 1-based): chr11:1,243,536, C>T. VCF-style: chr11-1243536-C-T. GRCh37 (hg19) VCF-style: chr11-1264766-C-T.
Other names: short protein forms S2219L.
Identifiers: ClinVar variation 3388359 (VCV003388359.14).

ClinVar aggregate classification (germline): Likely benign (1 of 4 stars; one submission).

Submission:

CeGaT Center for Human Genetics Tuebingen
Classification: Likely benign. Last evaluated: 2025-04-01. Review status: criteria provided, single submitter. Criteria: CeGaT Center For Human Genetics Tuebingen Variant Classification Criteria Version 2. Collection method: clinical testing. Allele origin: germline. Affected: yes. Observed: 2 variant alleles.
Comment: MUC5B: BP4, BS1